The following is an entry in ClinVar:

NM_001374259.2(IL12RB2):c.1783G>A (p.Val595Ile)

Gene: IL12RB2 (interleukin 12 receptor subunit beta 2; plus strand). Cytogenetic location: 1p31.3.
Variant type: single nucleotide variant.
Coding change: c.1783G>A on transcript NM_001374259.2 (MANE Select); coding-DNA position 1783, G replaced by A.
Protein change: p.Val595Ile; replaces valine 595 with isoleucine.
Molecular consequence: missense variant. On other transcripts: non-coding transcript variant (2).
Genome position (GRCh38, 1-based): chr1:67,380,051, G>A. VCF-style: chr1-67380051-G-A. GRCh37 (hg19) VCF-style: chr1-67845734-G-A.
Other names: c.1783G>A, p.Val595Ile (NM_001258214.1, NM_001258216.1, NM_001319233.1 and 1 more transcripts); c.1525G>A, p.Val509Ile (NM_001258215.1); short protein forms V595I, V509I.
Identifiers: ClinVar variation 3679179 (VCV003679179.2).

ClinVar aggregate classification (germline): Uncertain significance (1 of 4 stars; one submission).

gnomAD v4.1: 3 of 1,613,636 alleles (0.00019%); highest among the groups gnomAD compares: South Asian, 0.0022%; no homozygotes.

Submission:

Labcorp Genetics (formerly Invitae), Labcorp
Classification: Uncertain significance. Last evaluated: 2024-07-31. Review status: criteria provided, single submitter. Criteria: Invitae Variant Classification Sherloc (09022015). Collection method: clinical testing. Allele origin: germline.
Comment: This sequence change replaces valine, which is neutral and non-polar, with isoleucine, which is neutral and non-polar, at codon 595 of the IL12RB2 protein (p.Val595Ile). This variant is present in population databases (rs768422843, gnomAD 0.006%). This variant has not been reported in the literature in individuals affected with IL12RB2-related conditions. An algorithm developed to predict the effect of missense changes on protein structure and function outputs the following: PolyPhen-2: "Benign". The isoleucine amino acid residue is found in multiple mammalian species, which suggests that this missense change does not adversely affect protein function. In summary, the available evidence is currently insufficient to determine the role of this variant in disease. Therefore, it has been classified as a Variant of Uncertain Significance.